The following is an entry in ClinVar:

ClinVar aggregate classification (germline): Uncertain significance (1 of 4 stars; one submission).

Submission:

Labcorp Genetics (formerly Invitae), Labcorp
Classification: Uncertain significance. Last evaluated: 2025-03-19. Review status: criteria provided, single submitter. Criteria: Invitae Variant Classification Sherloc (09022015). Collection method: clinical testing. Allele origin: germline.
Comment: This sequence change replaces aspartic acid, which is acidic and polar, with valine, which is neutral and non-polar, at codon 48 of the APOA1 protein (p.Asp48Val). This variant is not present in population databases (gnomAD no frequency). This variant has not been reported in the literature in individuals affected with APOA1-related conditions. Invitae Evidence Modeling of protein sequence and biophysical properties (such as structural, functional, and spatial information, amino acid conservation, physicochemical variation, residue mobility, and thermodynamic stability) has been performed for this missense variant. However, the output from this modeling did not meet the statistical confidence thresholds required to predict the impact of this variant on APOA1 protein function. In summary, the available evidence is currently insufficient to determine the role of this variant in disease. Therefore, it has been classified as a Variant of Uncertain Significance.

NM_000039.3(APOA1):c.143A>T (p.Asp48Val)

Genes: APOA1 (apolipoprotein A1; minus strand), APOA1-AS (APOA1 antisense RNA; plus strand). Cytogenetic location: 11q23.3.
Variant type: single nucleotide variant.
Coding change: c.143A>T on transcript NM_000039.3 (MANE Select); coding-DNA position 143, A replaced by T.
Protein change: p.Asp48Val; replaces aspartic acid 48 with valine.
Molecular consequence: missense variant. On other transcripts: 5 prime UTR variant (2), intron variant (1).
Genome position (GRCh38, 1-based): chr11:116,837,058, T>A on the plus strand (A>T on the coding strand, the complement: APOA1 is on the minus strand). VCF-style: chr11-116837058-T-A. GRCh37 (hg19) VCF-style: chr11-116707774-T-A.
Other names: c.143A>T, p.Asp48Val (NM_001318017.2, NM_001318018.2, NM_001425090.1 and 1 more transcripts); c.-185A>T (NM_001318021.2, NM_001425092.1); c.-128+287A>T (NM_001425091.1); short protein forms D48V.
Identifiers: ClinVar variation 4770496 (VCV004770496.1).